The following is an entry in ClinVar:

NM_000051.4(ATM):c.8801C>A (p.Thr2934Asn)

Genes: ATM (ATM serine/threonine kinase; plus strand), C11orf65 (chromosome 11 open reading frame 65; minus strand). Cytogenetic location: 11q22.3.
Variant type: single nucleotide variant.
Coding change: c.8801C>A on transcript NM_000051.4 (MANE Select); coding-DNA position 8801, C replaced by A.
Protein change: p.Thr2934Asn; replaces threonine 2934 with asparagine.
Molecular consequence: missense variant. On other transcripts: intron variant (2).
Genome position (GRCh38, 1-based): chr11:108,354,825, C>A. VCF-style: chr11-108354825-C-A. GRCh37 (hg19) VCF-style: chr11-108225552-C-A.
Other names: c.8801C>A, p.Thr2934Asn (NM_001351834.2); c.640+31095G>T (NM_001330368.2); c.695-19533G>T (NM_001351110.2); short protein forms T2934N.
Identifiers: ClinVar variation 654750 (VCV000654750.10), dbSNP rs1591314020, ClinGen allele CA382525652.

ClinVar aggregate classification (germline): Uncertain significance. Review status: criteria provided, multiple submitters, no conflicts (2 of 4 stars). 2 submissions from 2 submitters: Uncertain significance (2). Last evaluated 2024-11-12.

Conditions:
Hereditary cancer-predisposing syndrome. Also called: Tumor predisposition; Hereditary neoplastic syndrome; Neoplastic Syndromes, Hereditary; Hereditary Cancer Syndrome. Identifiers: Orphanet 140162, MedGen C0027672, MeSH D009386, MONDO:0015356.
Ataxia-telangiectasia syndrome (AT). Also called: Ataxia-telangiectasia, complementation group D; AT, COMPLEMENTATION GROUP C; ATAXIA-TELANGIECTASIA, COMPLEMENTATION GROUP A; ATAXIA-TELANGIECTASIA, FRESNO VARIANT; Ataxia-telangiectasia; LOUIS-BAR SYNDROME. Identifiers: Orphanet 100, MedGen C0004135, MONDO:0008840, OMIM 208900.

Submissions (2):

Labcorp Genetics (formerly Invitae), Labcorp
Classification: Uncertain significance for Ataxia-telangiectasia syndrome. Last evaluated: 2024-11-12. Review status: criteria provided, single submitter. Criteria: Invitae Variant Classification Sherloc (09022015). Collection method: clinical testing. Allele origin: germline.
Comment: This sequence change replaces threonine, which is neutral and polar, with asparagine, which is neutral and polar, at codon 2934 of the ATM protein (p.Thr2934Asn). This variant is not present in population databases (gnomAD no frequency). This variant has not been reported in the literature in individuals affected with ATM-related conditions. ClinVar contains an entry for this variant (Variation ID: 654750). Invitae Evidence Modeling of protein sequence and biophysical properties (such as structural, functional, and spatial information, amino acid conservation, physicochemical variation, residue mobility, and thermodynamic stability) indicates that this missense variant is expected to disrupt ATM protein function with a positive predictive value of 95%. In summary, the available evidence is currently insufficient to determine the role of this variant in disease. Therefore, it has been classified as a Variant of Uncertain Significance.

Ambry Genetics
Classification: Uncertain significance for Hereditary cancer-predisposing syndrome. Last evaluated: 2023-12-01. Review status: criteria provided, single submitter. Criteria: Ambry Variant Classification Scheme 2023. Collection method: clinical testing. Allele origin: germline.
Comment: The p.T2934N variant (also known as c.8801C>A), located in coding exon 60 of the ATM gene, results from a C to A substitution at nucleotide position 8801. The threonine at codon 2934 is replaced by asparagine, an amino acid with similar properties. This amino acid position is conserved. In addition, the in silico prediction for this alteration is inconclusive. Since supporting evidence is limited at this time, the clinical significance of this alteration remains unclear.